The following is an entry in ClinVar:

ClinVar aggregate classification (germline): Pathogenic. Review status: criteria provided, single submitter (1 of 4 stars). 2 submissions from 2 submitters: Pathogenic (1). 1 of the submissions does not count toward it. Last evaluated 2023-11-06.

Conditions:
Pseudohermaphroditism. Identifiers: MedGen C0033804, MONDO:0005518.

Submissions (2):

Labcorp Genetics (formerly Invitae), Labcorp
Classification: Pathogenic. Last evaluated: 2023-11-06. Review status: criteria provided, single submitter. Criteria: Invitae Variant Classification Sherloc (09022015). Collection method: clinical testing. Allele origin: germline.
Comment: This sequence change creates a premature translational stop signal (p.Lys41Valfs*38) in the HSD17B3 gene. It is expected to result in an absent or disrupted protein product. Loss-of-function variants in HSD17B3 are known to be pathogenic (PMID: 23796702, 25740850). This variant is not present in population databases (gnomAD no frequency). This variant has not been reported in the literature in individuals affected with HSD17B3-related conditions. ClinVar contains an entry for this variant (Variation ID: 492760). For these reasons, this variant has been classified as Pathogenic.

Clinical Molecular Genetics Laboratory, Johns Hopkins All Children's Hospital
Classification: Pathogenic for Pseudohermaphroditism. Last evaluated: 2010-12-16. Review status: no assertion criteria provided. Collection method: clinical testing. Allele origin: germline. Affected: yes. Not counted in ClinVar's aggregate classification.

Literature cited by the submitters: PubMed 23796702 (cited by Labcorp Genetics (formerly Invitae), Labcorp); PubMed 25740850 (cited by Labcorp Genetics (formerly Invitae), Labcorp).

NM_000197.2(HSD17B3):c.121_122del (p.Lys41fs)

Genes: HSD17B3 (hydroxysteroid 17-beta dehydrogenase 3; minus strand), SLC35D2-HSD17B3 (SLC35D2-HSD17B3 readthrough; minus strand). Cytogenetic location: 9q22.32.
Variant type: Deletion.
Coding change: c.121_122del on transcript NM_000197.2 (MANE Select); coding-DNA positions 121 to 122, 2 bases deleted (AA; older notation c.121_122delAA).
Protein change: p.Lys41fs; shifts the reading frame from lysine 41.
Molecular consequence: frameshift variant.
Genome position (GRCh38, 1-based): chr9:96,301,983-96,301,984, TT deleted on the plus strand (AA on the coding strand, the reverse complement: HSD17B3 is on the minus strand); deleting any 2 consecutive bases within chr9:96,301,983-96,301,985 gives the same sequence; the c. name uses the placement nearest the transcript's 3' end. VCF-style (leftmost placement, unchanged base first): chr9-96301982-CTT-C. GRCh37 (hg19) VCF-style: chr9-99064264-CTT-C.
Other names: short protein forms K41fs.
Identifiers: ClinVar variation 492760 (VCV000492760.4), dbSNP rs1554705693, ClinGen allele CA466135860.